The following is an entry in ClinVar:

NM_198904.4(GABRG2):c.327+12A>C

Gene: GABRG2 (gamma-aminobutyric acid type A receptor subunit gamma2; plus strand). Cytogenetic location: 5q34.
Variant type: single nucleotide variant.
Coding change: c.327+12A>C on transcript NM_198904.4 (MANE Select); 12 bases into the intron after coding-DNA position 327, A replaced by C.
Molecular consequence: intron variant.
Genome position (GRCh38, 1-based): chr5:162,095,574, A>C. VCF-style: chr5-162095574-A-C. GRCh37 (hg19) VCF-style: chr5-161522580-A-C.
Other names: c.42+12A>C (NM_001375349.1); c.327+12A>C (NM_001375343.1, NM_001375344.1, NM_001375340.1 and 4 more transcripts); c.-32+12A>C (NM_001375350.1, NM_001375348.1); c.318+12A>C (NM_001375339.1); c.261+12A>C (NM_001375346.1, NM_001375345.1); c.240+12A>C (NM_001375347.1).
Identifiers: ClinVar variation 137419 (VCV000137419.7), dbSNP rs188717038, ClinGen allele CA290988.

ClinVar aggregate classification (germline): Benign/Likely benign. Review status: criteria provided, multiple submitters, no conflicts (2 of 4 stars). 3 submissions from 3 submitters: Benign (1); Likely benign (2). Last evaluated 2024-07-15.

Conditions:
Febrile seizures, familial, 8 (FEB8). Also called: CONVULSIONS, FAMILIAL FEBRILE, 8. Identifiers: Orphanet 36387, MedGen C1969810, MONDO:0011891, OMIM 607681.
EPILEPSY, CHILDHOOD ABSENCE, SUSCEPTIBILITY TO, 2 (ECA2). Identifiers: Orphanet 64280, MedGen C1843244, OMIM 607681.

gnomAD v4.1: 18 of 1,570,454 alleles (0.0011%); highest among the groups gnomAD compares: Non-Finnish European, 0.0016%; no homozygotes.

Submissions (3):

Labcorp Genetics (formerly Invitae), Labcorp
Classification: Likely benign for Febrile seizures, familial, 8; EPILEPSY, CHILDHOOD ABSENCE, SUSCEPTIBILITY TO, 2. Last evaluated: 2024-07-15. Review status: criteria provided, single submitter. Criteria: Invitae Variant Classification Sherloc (09022015). Collection method: clinical testing. Allele origin: germline.

Blueprint Genetics
Classification: Likely benign. Last evaluated: 2020-03-05. Review status: criteria provided, single submitter. Criteria: ACMG Guidelines, 2015. Collection method: clinical testing. Allele origin: germline.

GeneDx
Classification: Benign. Last evaluated: 2014-05-22. Review status: criteria provided, single submitter. Criteria: GeneDx Variant Classification (06012015). Collection method: clinical testing. Allele origin: germline. Affected: yes.
Comment: This variant is considered likely benign or benign based on one or more of the following criteria: it is a conservative change, it occurs at a poorly conserved position in the protein, it is predicted to be benign by multiple in silico algorithms, and/or has population frequency not consistent with disease.